The following is an entry in ClinVar:

ClinVar aggregate classification (germline): Uncertain significance. Review status: criteria provided, multiple submitters, no conflicts (2 of 4 stars). 2 submissions from 2 submitters: Uncertain significance (2). Last evaluated 2026-05-14.

Conditions:
Hereditary cancer-predisposing syndrome. Also called: Hereditary Cancer Syndrome; Neoplastic Syndromes, Hereditary; Tumor predisposition; Hereditary neoplastic syndrome. Identifiers: Orphanet 140162, MedGen C0027672, MeSH D009386, MONDO:0015356.

Allele frequency attached by ClinVar (database versions not stated): TOPMed below 0.00001.

Submissions (2):

Ambry Genetics
Classification: Uncertain significance for Hereditary cancer-predisposing syndrome. Last evaluated: 2026-05-14. Review status: criteria provided, single submitter. Criteria: Ambry Variant Classification Scheme 2023. Collection method: clinical testing. Allele origin: germline.
Comment: The p.R360G variant (also known as c.1078A>G), located in coding exon 7 of the CTNNA1 gene, results from an A to G substitution at nucleotide position 1078. The arginine at codon 360 is replaced by glycine, an amino acid with dissimilar properties. This amino acid position is conserved. In addition, this alteration is predicted to be tolerated by in silico analysis. Based on the available evidence, the clinical significance of this variant remains unclear.

Labcorp Genetics (formerly Invitae), Labcorp
Classification: Uncertain significance. Last evaluated: 2025-12-21. Review status: criteria provided, single submitter. Criteria: Invitae Variant Classification Sherloc (09022015). Collection method: clinical testing. Allele origin: germline.
Comment: This sequence change replaces arginine, which is basic and polar, with glycine, which is neutral and non-polar, at codon 360 of the CTNNA1 protein (p.Arg360Gly). This variant is not present in population databases (gnomAD no frequency). This variant has not been reported in the literature in individuals affected with CTNNA1-related conditions. ClinVar contains an entry for this variant (Variation ID: 957416). Invitae Evidence Modeling of protein sequence and biophysical properties (such as structural, functional, and spatial information, amino acid conservation, physicochemical variation, residue mobility, and thermodynamic stability) indicates that this missense variant is not expected to disrupt CTNNA1 protein function with a negative predictive value of 80%. In summary, the available evidence is currently insufficient to determine the role of this variant in disease. Therefore, it has been classified as a Variant of Uncertain Significance.

NM_001903.5(CTNNA1):c.1078A>G (p.Arg360Gly)

Gene: CTNNA1 (catenin alpha 1; plus strand). Cytogenetic location: 5q31.2.
Variant type: single nucleotide variant.
Coding change: c.1078A>G on transcript NM_001903.5 (MANE Select); coding-DNA position 1078, A replaced by G.
Protein change: p.Arg360Gly; replaces arginine 360 with glycine.
Molecular consequence: missense variant. On other transcripts: 5 prime UTR variant (26), intron variant (2).
Genome position (GRCh38, 1-based): chr5:138,886,227, A>G. VCF-style: chr5-138886227-A-G. GRCh37 (hg19) VCF-style: chr5-138221916-A-G.
Other names: c.1078A>G (NM_001903.2); c.1078A>G, p.Arg360Gly (NM_001290307.3, NM_001323982.2, NM_001323983.1 and 3 more transcripts); c.769A>G, p.Arg257Gly (NM_001290309.3); c.709A>G, p.Arg237Gly (NM_001290310.3); c.-33A>G (NM_001290312.1, NM_001323987.1, NM_001323988.1 and 18 more transcripts); c.-430A>G (NM_001324006.1, NM_001324007.1, NM_001324008.1 and 1 more transcripts); c.-305A>G (NM_001324013.1); c.-58+10630A>G (NM_001324012.1); and 1 more; short protein forms R257G, R360G, R237G.
Identifiers: ClinVar variation 957416 (VCV000957416.10), dbSNP rs1753992305, ClinGen allele CA361132498.